The following is an entry in ClinVar:

ClinVar aggregate classification (germline): Uncertain significance. Review status: criteria provided, multiple submitters, no conflicts (2 of 4 stars). 2 submissions from 2 submitters: Uncertain significance (2). Last evaluated 2024-01-13.

Conditions:
Orofaciodigital syndrome type 6 (OFD6). Also called: OROFACIODIGITAL SYNDROME VI; OFDS VI; POLYDACTYLY, CLEFT LIP/PALATE OR LINGUAL LUMP, AND PSYCHOMOTOR RETARDATION; VARADI SYNDROME; VARADI-PAPP SYNDROME; Oral-facial-digital syndrome type 6. Identifiers: Orphanet 2754, MedGen C2745997, MONDO:0010176, OMIM 277170.
Joubert syndrome 17 (JBTS17). Identifiers: Orphanet 475, MedGen C3553264, MONDO:0013824, OMIM 614615.

Submissions (2):

Fulgent Genetics
Classification: Uncertain significance for Orofaciodigital syndrome type 6; Joubert syndrome 17. Last evaluated: 2024-01-13. Review status: criteria provided, single submitter. Criteria: ACMG Guidelines, 2015. Collection method: clinical testing. Allele origin: germline.

Labcorp Genetics (formerly Invitae), Labcorp
Classification: Uncertain significance. Last evaluated: 2021-01-28. Review status: criteria provided, single submitter. Criteria: Invitae Variant Classification Sherloc (09022015). Collection method: clinical testing. Allele origin: germline.
Comment: This sequence change affects codon 72 of the CPLANE1 mRNA. It is a 'silent' change, meaning that it does not change the encoded amino acid sequence of the CPLANE1 protein. This variant is not present in population databases (ExAC no frequency). This variant has not been reported in the literature in individuals with CPLANE1-related conditions. Algorithms developed to predict the effect of sequence changes on RNA splicing suggest that this variant is not likely to affect RNA splicing, but this prediction has not been confirmed by published transcriptional studies. In summary, the available evidence is currently insufficient to determine the role of this variant in disease. Therefore, it has been classified as a Variant of Uncertain Significance.

NM_001384732.1(CPLANE1):c.216T>C (p.Asn72=)

Gene: CPLANE1 (ciliogenesis and planar polarity effector complex subunit 1; minus strand). Cytogenetic location: 5p13.2.
Variant type: single nucleotide variant.
Coding change: c.216T>C on transcript NM_001384732.1 (MANE Select); coding-DNA position 216, T replaced by C.
Protein change: p.Asn72=; no amino-acid change (asparagine 72 retained).
Molecular consequence: synonymous variant.
Genome position (GRCh38, 1-based): chr5:37,245,711, A>G on the plus strand (T>C on the coding strand, the complement: CPLANE1 is on the minus strand). VCF-style: chr5-37245711-A-G. GRCh37 (hg19) VCF-style: chr5-37245813-A-G.
Other names: c.216T>C, p.Asn72= (NM_023073.4); c.216T>C (NM_023073.3).
Identifiers: ClinVar variation 1474974 (VCV001474974.9), dbSNP rs2150827087, ClinGen allele CA444098574.